The following is an entry in ClinVar:

NM_000435.3(NOTCH3):c.953G>T (p.Cys318Phe)

Gene: NOTCH3 (notch receptor 3; minus strand). Cytogenetic location: 19p13.12.
Variant type: single nucleotide variant.
Coding change: c.953G>T on transcript NM_000435.3 (MANE Select); coding-DNA position 953, G replaced by T.
Protein change: p.Cys318Phe; replaces cysteine 318 with phenylalanine.
Molecular consequence: missense variant.
Genome position (GRCh38, 1-based): chr19:15,191,507, C>A on the plus strand (G>T on the coding strand, the complement: NOTCH3 is on the minus strand). VCF-style: chr19-15191507-C-A. GRCh37 (hg19) VCF-style: chr19-15302318-C-A.
Other names: short protein forms C318F.
Identifiers: ClinVar variation 3899395 (VCV003899395.4).

ClinVar aggregate classification (germline): Pathogenic/Likely pathogenic. Review status: criteria provided, multiple submitters, no conflicts (2 of 4 stars). 3 submissions from 3 submitters: Pathogenic (2); Likely pathogenic (1). Last evaluated 2025-12-08.

Conditions:
Cerebral arteriopathy, autosomal dominant, with subcortical infarcts and leukoencephalopathy, type 1 (CADASIL1). Also called: CADASIL 1; CASIL; Cerebral arteriopathy with subcortical infarcts and leukoencephalopathy 1; DEMENTIA, HEREDITARY MULTIINFARCT TYPE. Identifiers: Orphanet 136, MedGen C4551768, MONDO:0000914, OMIM 125310.

gnomAD v4.1: 3 of 1,613,244 alleles (0.00019%); highest among the groups gnomAD compares: Non-Finnish European, 0.000085%; no homozygotes.

Submissions (3):

Cambridge Genomics Laboratory, East Genomic Laboratory Hub, NHS Genomic Medicine Service
Classification: Pathogenic for CADASIL. Last evaluated: 2025-12-08. Review status: criteria provided, single submitter. Criteria: ACGS Best Practice Guidelines for Variant Classification in Rare Disease 2020. Collection method: clinical testing. Allele origin: germline. Affected: yes.
Comment: PS4_Moderate,PM1_Strong,PM2_Supporting,PM5,PP3

NHS Central & South Genomic Laboratory Hub
Classification: Pathogenic for CADASIL. Last evaluated: 2025-10-21. Review status: criteria provided, single submitter. Criteria: ACMG Guidelines, 2015. Collection method: clinical testing. Allele origin: germline. Affected: yes.

Labcorp Genetics (formerly Invitae), Labcorp
Classification: Likely pathogenic. Last evaluated: 2025-08-17. Review status: criteria provided, single submitter. Criteria: Invitae Variant Classification Sherloc (09022015). Collection method: clinical testing. Allele origin: germline.
Comment: This sequence change replaces cysteine, which is neutral and slightly polar, with phenylalanine, which is neutral and non-polar, at codon 318 of the NOTCH3 protein (p.Cys318Phe). This variant is not present in population databases (gnomAD no frequency). This missense change has been observed in individuals with NOTCH3-related conditionds (PMID: 30402942; internal data). ClinVar contains an entry for this variant (Variation ID: 3899395). Invitae Evidence Modeling of protein sequence and biophysical properties (such as structural, functional, and spatial information, amino acid conservation, physicochemical variation, residue mobility, and thermodynamic stability) indicates that this missense variant is expected to disrupt NOTCH3 protein function with a positive predictive value of 95%. This variant disrupts the p.Cys318 amino acid residue in NOTCH3. Other variant(s) that disrupt this residue have been observed in individuals with NOTCH3-related conditions (PMID: 30402942), which suggests that this may be a clinically significant amino acid residue. In summary, the currently available evidence indicates that the variant is pathogenic, but additional data are needed to prove that conclusively. Therefore, this variant has been classified as Likely Pathogenic.

Literature cited by the submitters: PubMed 30402942 (cited by Labcorp Genetics (formerly Invitae), Labcorp).